The following is an entry in ClinVar:

ClinVar aggregate classification (germline): Uncertain significance (1 of 4 stars; one submission).

Allele frequency attached by ClinVar (database versions not stated): gnomAD exomes below 0.00001.
gnomAD v4.1: 1 of 1,448,990 alleles (0.000069%); highest among the groups gnomAD compares: Non-Finnish European, 0.000091%; no homozygotes.

Submission:

Labcorp Genetics (formerly Invitae), Labcorp
Classification: Uncertain significance. Last evaluated: 2023-11-27. Review status: criteria provided, single submitter. Criteria: Invitae Variant Classification Sherloc (09022015). Collection method: clinical testing. Allele origin: germline.
Comment: This sequence change replaces valine, which is neutral and non-polar, with isoleucine, which is neutral and non-polar, at codon 179 of the DSCAML1 protein (p.Val179Ile). This variant is not present in population databases (gnomAD no frequency). This variant has not been reported in the literature in individuals affected with DSCAML1-related conditions. Algorithms developed to predict the effect of missense changes on protein structure and function output the following: SIFT: "Not Available"; PolyPhen-2: "Benign"; Align-GVGD: "Not Available". The isoleucine amino acid residue is found in multiple mammalian species, which suggests that this missense change does not adversely affect protein function. In summary, the available evidence is currently insufficient to determine the role of this variant in disease. Therefore, it has been classified as a Variant of Uncertain Significance.

NM_020693.4(DSCAML1):c.355G>A (p.Val119Ile)

Gene: DSCAML1 (DS cell adhesion molecule like 1; minus strand). Cytogenetic location: 11q23.3.
Variant type: single nucleotide variant.
Coding change: c.355G>A on transcript NM_020693.4 (MANE Select); coding-DNA position 355, G replaced by A.
Protein change: p.Val119Ile; replaces valine 119 with isoleucine.
Molecular consequence: missense variant. On other transcripts: 5 prime UTR variant (1).
Genome position (GRCh38, 1-based): chr11:117,780,502, C>T on the plus strand (G>A on the coding strand, the complement: DSCAML1 is on the minus strand). VCF-style: chr11-117780502-C-T. GRCh37 (hg19) VCF-style: chr11-117651217-C-T.
Other names: c.355G>A, p.Val119Ile (NM_001367904.1); c.-54G>A (NM_001367905.1); short protein forms V119I.
Identifiers: ClinVar variation 2699299 (VCV002699299.3), dbSNP rs2496835728, ClinGen allele CA382760475.